The following is an entry in ClinVar:

ClinVar aggregate classification (germline): Conflicting classifications of pathogenicity. Review status: criteria provided, conflicting classifications (1 of 4 stars). 4 submissions from 4 submitters: Uncertain significance (1); Likely benign (2). 1 of the submissions does not count toward it. Last evaluated 2025-01-29.

Conditions:
FLNB-Related Spectrum Disorders.
FLNB-related disorder. Also called: FLNB-related condition; FLNB-related disorders. Identifiers: MedGen CN381095.

Allele frequency attached by ClinVar (database versions not stated): gnomAD 0.00001 and 0.00002; gnomAD exomes 0.00002 and 0.00009; TOPMed 0.00008; ExAC 0.00011; 1000 Genomes Project 0.00020; 1000 Genomes Project 30x 0.00031.
gnomAD v4.1: 34 of 1,595,660 alleles (0.0021%); highest among the groups gnomAD compares: East Asian, 0.055%; no homozygotes.

Submissions (4):

Labcorp Genetics (formerly Invitae), Labcorp
Classification: Likely benign. Last evaluated: 2025-01-29. Review status: criteria provided, single submitter. Criteria: Invitae Variant Classification Sherloc (09022015). Collection method: clinical testing. Allele origin: germline.

Illumina Laboratory Services, Illumina
Classification: Uncertain significance for FLNB-Related Spectrum Disorders. Last evaluated: 2018-01-13. Review status: criteria provided, single submitter. Criteria: ICSL Variant Classification Criteria 13 December 2019. Collection method: clinical testing. Allele origin: germline.

GeneDx
Classification: Likely benign. Last evaluated: 2017-12-05. Review status: criteria provided, single submitter. Criteria: GeneDx Variant Classification (06012015). Collection method: clinical testing. Allele origin: germline. Affected: yes.
Comment: This variant is considered likely benign or benign based on one or more of the following criteria: it is a conservative change, it occurs at a poorly conserved position in the protein, it is predicted to be benign by multiple in silico algorithms, and/or has population frequency not consistent with disease.

PreventionGenetics, part of Exact Sciences
Classification: Likely benign for FLNB-related condition. Last evaluated: 2019-11-25. Review status: no assertion criteria provided. Collection method: clinical testing. Allele origin: germline. Not counted in ClinVar's aggregate classification.
Comment: This variant is classified as likely benign based on ACMG/AMP sequence variant interpretation guidelines (Richards et al. 2015 PMID: 25741868, with internal and published modifications).

NM_001457.4(FLNB):c.9A>G (p.Val3=)

Gene: FLNB (filamin B; plus strand). Cytogenetic location: 3p14.3.
Variant type: single nucleotide variant.
Coding change: c.9A>G on transcript NM_001457.4 (MANE Select); coding-DNA position 9, A replaced by G.
Protein change: p.Val3=; no amino-acid change (valine 3 retained).
Molecular consequence: synonymous variant.
Genome position (GRCh38, 1-based): chr3:58,008,573, A>G. VCF-style: chr3-58008573-A-G. GRCh37 (hg19) VCF-style: chr3-57994300-A-G.
Other names: c.9A>G, p.Val3= (NM_001164317.2, NM_001164318.2, NM_001164319.2).
Identifiers: ClinVar variation 516180 (VCV000516180.14), dbSNP rs199846967, ClinGen allele CA2467439.